The following is an entry in ClinVar:

ClinVar aggregate classification (germline): Conflicting classifications of pathogenicity. Review status: criteria provided, conflicting classifications (1 of 4 stars). 2 submissions from 2 submitters: Uncertain significance (1); Likely benign (1). Last evaluated 2025-08-05.

Conditions:
Cardiovascular phenotype. Identifiers: MedGen CN230736.
Cardiomyopathy (CMYO). Also called: Cardiomyopathies. Identifiers: Orphanet 167848, MedGen C0878544, MONDO:0004994, HP:0001638. Inheritance: Various modes of inheritance.

Submissions (2):

Color Diagnostics, LLC DBA Color Health
Classification: Likely benign for Cardiomyopathy. Last evaluated: 2025-08-05. Review status: criteria provided, single submitter. Criteria: ACMG Guidelines, 2015. Collection method: clinical testing. Allele origin: germline.

Ambry Genetics
Classification: Uncertain significance for Cardiovascular phenotype. Last evaluated: 2024-11-10. Review status: criteria provided, single submitter. Criteria: Ambry Variant Classification Scheme 2023. Collection method: clinical testing. Allele origin: germline.
Comment: The p.V415A variant (also known as c.1244T>C), located in coding exon 5 of the PKP2 gene, results from a T to C substitution at nucleotide position 1244. The valine at codon 415 is replaced by alanine, an amino acid with similar properties. This amino acid position is conserved. In addition, this alteration is predicted to be tolerated by in silico analysis. Based on the available evidence, the clinical significance of this variant remains unclear.

NM_001005242.3(PKP2):c.1244T>C (p.Val415Ala)

Gene: PKP2 (plakophilin 2; minus strand). Cytogenetic location: 12p11.21.
Variant type: single nucleotide variant.
Coding change: c.1244T>C on transcript NM_001005242.3 (MANE Select); coding-DNA position 1244, T replaced by C.
Protein change: p.Val415Ala; replaces valine 415 with alanine.
Molecular consequence: missense variant.
Genome position (GRCh38, 1-based): chr12:32,850,900, A>G on the plus strand (T>C on the coding strand, the complement: PKP2 is on the minus strand). VCF-style: chr12-32850900-A-G. GRCh37 (hg19) VCF-style: chr12-33003834-A-G.
Other names: c.1244T>C, p.Val415Ala (NM_001407155.1, NM_001407156.1, NM_001407157.1 and 2 more transcripts); c.917T>C, p.Val306Ala (NM_001407158.1, NM_001407159.1, NM_001407160.1 and 1 more transcripts); short protein forms V306A, V415A.
Identifiers: ClinVar variation 3419538 (VCV003419538.2).